The following is an entry in ClinVar:

ClinVar aggregate classification (germline): Uncertain significance (1 of 4 stars; one submission).

Conditions:
Cardiovascular phenotype. Identifiers: MedGen CN230736.

gnomAD v4.1: 8 of 1,602,686 alleles (0.0005%); highest among the groups gnomAD compares: Admixed American, 0.0017%; no homozygotes.

Submission:

Ambry Genetics
Classification: Uncertain significance for Cardiovascular phenotype. Last evaluated: 2025-10-07. Review status: criteria provided, single submitter. Criteria: Ambry Variant Classification Scheme 2023. Collection method: clinical testing. Allele origin: germline.
Comment: The c.951+4T>C intronic variant results from a T to C substitution 4 nucleotides after coding exon 7 in the MAT2A gene. This nucleotide position is well conserved in available vertebrate species. In silico splice site analysis predicts that this alteration will not have any significant effect on splicing. The evidence for this gene-disease relationship is limited; therefore, the clinical significance of this alteration is unclear.

NM_005911.6(MAT2A):c.951+4T>C

Genes: GGCX (gamma-glutamyl carboxylase; minus strand), MAT2A (methionine adenosyltransferase 2A; plus strand). Cytogenetic location: 2p11.2.
Variant type: single nucleotide variant.
Coding change: c.951+4T>C on transcript NM_005911.6 (MANE Select); 4 bases into the intron after coding-DNA position 951, T replaced by C.
Molecular consequence: intron variant.
Genome position (GRCh38, 1-based): chr2:85,542,751, T>C. VCF-style: chr2-85542751-T-C. GRCh37 (hg19) VCF-style: chr2-85769874-T-C.
Identifiers: ClinVar variation 4614566 (VCV004614566.1).
Genomic context (GRCh38, chr2:85,542,751, plus strand): 5'-CGTTGGGTGGCAAAATCCCTTGTTAAAGGAGGTCTGTGCCGGAGGGTTCTTGTTCAGGTA[T>C]ACACTCTTTATATAACGAACGATTAAAAGTCATGTAAGTGGGAGGGTATTTAGTAGTAAT-3'